The following is an entry in ClinVar:

NM_001286.5(CLCN6):c.2392C>T (p.Arg798Cys)

Gene: CLCN6 (Cl-/H+ antiporter 6; plus strand). Cytogenetic location: 1p36.22.
Variant type: single nucleotide variant.
Coding change: c.2392C>T on transcript NM_001286.5 (MANE Select); coding-DNA position 2392, C replaced by T.
Protein change: p.Arg798Cys; replaces arginine 798 with cysteine.
Molecular consequence: missense variant. On other transcripts: non-coding transcript variant (1).
Genome position (GRCh38, 1-based): chr1:11,838,431, C>T. VCF-style: chr1-11838431-C-T. GRCh37 (hg19) VCF-style: chr1-11898488-C-T.
Other names: c.2326C>T, p.Arg776Cys (NM_001256959.2); c.2392C>T (NM_001286.2); short protein forms R798C, R776C.
Identifiers: ClinVar variation 2115321 (VCV002115321.5), dbSNP rs377577098, ClinGen allele CA18004737.

ClinVar aggregate classification (germline): Uncertain significance. Review status: criteria provided, multiple submitters, no conflicts (2 of 4 stars). 2 submissions from 2 submitters: Uncertain significance (2). Last evaluated 2025-05-22.

Allele frequency attached by ClinVar (database versions not stated): TOPMed 0.00001; gnomAD exomes 0.00002; gnomAD 0.00001; ESP Exome Variant Server 0.00008.
gnomAD v4.1: 35 of 1,614,034 alleles (0.0022%); highest among the groups gnomAD compares: Non-Finnish European, 0.0023%; no homozygotes.

Submissions (2):

Labcorp Genetics (formerly Invitae), Labcorp
Classification: Uncertain significance. Last evaluated: 2025-05-22. Review status: criteria provided, single submitter. Criteria: Invitae Variant Classification Sherloc (09022015). Collection method: clinical testing. Allele origin: germline.
Comment: This sequence change replaces arginine, which is basic and polar, with cysteine, which is neutral and slightly polar, at codon 798 of the CLCN6 protein (p.Arg798Cys). This variant is not present in population databases (gnomAD no frequency). This variant has not been reported in the literature in individuals affected with CLCN6-related conditions. ClinVar contains an entry for this variant (Variation ID: 2115321). An algorithm developed to predict the effect of missense changes on protein structure and function (PolyPhen-2) suggests that this variant is likely to be disruptive. In summary, the available evidence is currently insufficient to determine the role of this variant in disease. Therefore, it has been classified as a Variant of Uncertain Significance.

Ambry Genetics
Classification: Uncertain significance. Last evaluated: 2025-03-03. Review status: criteria provided, single submitter. Criteria: Ambry Variant Classification Scheme 2023. Collection method: clinical testing. Allele origin: germline.